The following is an entry in ClinVar:

NM_017619.4(RNPC3):c.1207+10C>T

Gene: RNPC3 (RNA binding region (RNP1, RRM) containing 3; plus strand). Cytogenetic location: 1p21.1.
Variant type: single nucleotide variant.
Coding change: c.1207+10C>T on transcript NM_017619.4 (MANE Select); 10 bases into the intron after coding-DNA position 1207, C replaced by T.
Molecular consequence: intron variant.
Genome position (GRCh38, 1-based): chr1:103,545,112, C>T. VCF-style: chr1-103545112-C-T. GRCh37 (hg19) VCF-style: chr1-104087734-C-T.
Identifiers: ClinVar variation 3043016 (VCV003043016.2), dbSNP rs545907522, ClinGen allele CA975729.

ClinVar aggregate classification (germline): Likely benign (0 of 4 stars; one submission).

Conditions:
RNPC3-related disorder. Also called: RNPC3-related condition.

Allele frequency attached by ClinVar (database versions not stated): TOPMed 0.00005; gnomAD 0.00006; gnomAD exomes 0.00011; ExAC 0.00069; 1000 Genomes Project 30x 0.00078; 1000 Genomes Project 0.00080.
gnomAD v4.1: 153 of 1,523,578 alleles (0.01%); highest among the groups gnomAD compares: South Asian, 0.12%; 1 homozygote.

Submission:

PreventionGenetics, part of Exact Sciences
Classification: Likely benign for RNPC3-related condition. Last evaluated: 2019-07-15. Review status: no assertion criteria provided. Collection method: clinical testing. Allele origin: germline.
Comment: This variant is classified as likely benign based on ACMG/AMP sequence variant interpretation guidelines (Richards et al. 2015 PMID: 25741868, with internal and published modifications).